The following is an entry in ClinVar:

NM_000135.4(FANCA):c.2783C>A (p.Thr928Asn)

Gene: FANCA (FA complementation group A; minus strand). Cytogenetic location: 16q24.3.
Variant type: single nucleotide variant.
Coding change: c.2783C>A on transcript NM_000135.4 (MANE Select); coding-DNA position 2783, C replaced by A.
Protein change: p.Thr928Asn; replaces threonine 928 with asparagine.
Molecular consequence: missense variant.
Genome position (GRCh38, 1-based): chr16:89,762,018, G>T on the plus strand (C>A on the coding strand, the complement: FANCA is on the minus strand). VCF-style: chr16-89762018-G-T. GRCh37 (hg19) VCF-style: chr16-89828426-G-T.
Other names: c.2783C>A, p.Thr928Asn (NM_001286167.3); c.2783C>A (NM_000135.2); short protein forms T928N.
Identifiers: ClinVar variation 1514314 (VCV001514314.7), dbSNP rs2143261377, ClinGen allele CA397433990.
Genomic context (GRCh38, chr16:89,762,018, plus strand): 5'-TCTGAAAGAGCATCAGCTTCAGGTTGAATTTCCAGCTCCAGGTGTAACCAGTCTTGGTAA[G>T]TTAACTGAGAAAGAGAGCAAGCAATTCAATACAATGAGGACAGAACACACAATCCACCGA-3'
Protein context (NP_000126.2, residues 918-938): EVLKEEDVHL[Thr928Asn]YQDWLHLELE

ClinVar aggregate classification (germline): Uncertain significance. Review status: criteria provided, multiple submitters, no conflicts (2 of 4 stars). 2 submissions from 2 submitters: Uncertain significance (2). Last evaluated 2026-07-04.

Conditions:
Fanconi anemia (FA). Also called: Fanconi's anemia. Identifiers: Orphanet 84, MedGen C0015625, MeSH D005199, MONDO:0019391.
Inborn genetic diseases. Identifiers: MedGen C0950123, MeSH D030342.

Submissions (2):

Ambry Genetics
Classification: Uncertain significance for Inborn genetic diseases. Last evaluated: 2026-07-04. Review status: criteria provided, single submitter. Criteria: Ambry Variant Classification Scheme 2023. Collection method: clinical testing. Allele origin: germline.
Comment: The p.T928N variant (also known as c.2783C>A), located in coding exon 29 of the FANCA gene, results from a C to A substitution at nucleotide position 2783. The threonine at codon 928 is replaced by asparagine, an amino acid with similar properties. This amino acid position is conserved. In addition, this alteration is predicted to be tolerated by in silico analysis. Based on the available evidence, the clinical significance of this variant remains unclear.

Labcorp Genetics (formerly Invitae), Labcorp
Classification: Uncertain significance for Fanconi anemia. Last evaluated: 2021-12-24. Review status: criteria provided, single submitter. Criteria: Invitae Variant Classification Sherloc (09022015). Collection method: clinical testing. Allele origin: germline.
Comment: This sequence change replaces threonine, which is neutral and polar, with asparagine, which is neutral and polar, at codon 928 of the FANCA protein (p.Thr928Asn). This variant is not present in population databases (gnomAD no frequency). This variant has not been reported in the literature in individuals affected with FANCA-related conditions. Algorithms developed to predict the effect of missense changes on protein structure and function are either unavailable or do not agree on the potential impact of this missense change (SIFT: "Deleterious"; PolyPhen-2: "Benign"; Align-GVGD: "Class C0"). In summary, the available evidence is currently insufficient to determine the role of this variant in disease. Therefore, it has been classified as a Variant of Uncertain Significance.